The following is an entry in ClinVar:

ClinVar aggregate classification (germline): Pathogenic (1 of 4 stars; one submission).

Submission:

Labcorp Genetics (formerly Invitae), Labcorp
Classification: Pathogenic. Last evaluated: 2021-09-03. Review status: criteria provided, single submitter. Criteria: Invitae Variant Classification Sherloc (09022015). Collection method: clinical testing. Allele origin: germline.
Comment: This sequence change creates a premature translational stop signal (p.Pro197Alafs*102) in the CACNA1F gene. It is expected to result in an absent or disrupted protein product. Loss-of-function variants in CACNA1F are known to be pathogenic (PMID: 9662399, 11281458, 17525176, 22194652, 24124559, 26992781). This variant is not present in population databases (ExAC no frequency). This premature translational stop signal has been observed in individual(s) with congenital stationary night blindness (PMID: 18463160). For these reasons, this variant has been classified as Pathogenic.

Literature cited by the submitters: PubMed 9662399; PubMed 11281458; PubMed 17525176; PubMed 22194652; PubMed 24124559; PubMed 26992781; PubMed 18463160.

NM_001256789.3(CACNA1F):c.584dup (p.Pro197fs)

Gene: CACNA1F (calcium voltage-gated channel subunit alpha1 F; minus strand). Cytogenetic location: Xp11.23.
Variant type: Duplication.
Coding change: c.584dup on transcript NM_001256789.3 (MANE Select); coding-DNA position 584, one base duplicated (G; older notation c.584dupG).
Protein change: p.Pro197fs; shifts the reading frame from proline 197.
Molecular consequence: frameshift variant.
Genome position (GRCh38, 1-based): chrX:49,230,547, C duplicated on the plus strand (G on the coding strand, the reverse complement: CACNA1F is on the minus strand); the first of 5 consecutive C bases (chrX:49,230,547-49,230,551); duplicating any one gives the same sequence. VCF-style (leftmost placement, unchanged base first): chrX-49230546-T-TC. GRCh37 (hg19) VCF-style: chrX-49087008-T-TC.
Other names: c.389dup, p.Pro132fs (NM_001256790.3); c.584dup, p.Pro197fs (NM_005183.4); short protein forms P132fs, P197fs.
Identifiers: ClinVar variation 1455476 (VCV001455476.6), dbSNP rs1557111077, ClinGen allele CA2573159009.
Genomic context (GRCh38, chrX:49,230,546, plus strand): 5'-CCTCAGTGGCCGCAGCACCCGAAACGCCCTCAATGCCTTCACATCGAAGCCTCCTGGCTT[T>TC]CCCCCGGTGTGCGGGGCGTCGCCTGGCCGTCCGGGGCCCTGCTCCAGCAGAACGCTGAAC-3'